The following is an entry in ClinVar:

NM_000180.4(GUCY2D):c.997G>A (p.Glu333Lys)

Gene: GUCY2D (guanylate cyclase 2D, retinal; plus strand). Cytogenetic location: 17p13.1.
Variant type: single nucleotide variant.
Coding change: c.997G>A on transcript NM_000180.4 (MANE Select); coding-DNA position 997, G replaced by A.
Protein change: p.Glu333Lys; replaces glutamic acid 333 with lysine.
Molecular consequence: missense variant.
Genome position (GRCh38, 1-based): chr17:8,004,127, G>A. VCF-style: chr17-8004127-G-A. GRCh37 (hg19) VCF-style: chr17-7907445-G-A.
Other names: NM_000180.4:c.997G>A; c.997G>A (NM_000180.3); short protein forms E333K.
Identifiers: ClinVar variation 4538534 (VCV004538534.2).
Genomic context (GRCh38, chr17:8,004,127, plus strand): 5'-CGCCACTGTCCCTCTGAAGGCAGCGTGCTGGACAGCCTGCGCAGGGCTCAAGAGCGCCGC[G>A]AGCTGCCCTCTGACCTCAATCTGCAGCAGGTAGACGGTCCCGGGAGGAGGGAAGAAGGCA-3'
Protein context (NP_000171.1, residues 323-343): DSLRRAQERR[Glu333Lys]LPSDLNLQQV

ClinVar aggregate classification (germline): Uncertain significance. Review status: reviewed by expert panel (3 of 4 stars). 2 submissions from 2 submitters: Uncertain significance (1). 1 of the submissions does not count toward it. Last evaluated 2025-12-19.

Conditions:
GUCY2D-related recessive retinopathy. Also called: Recessive GUCY2D retinopathy. Identifiers: MedGen CN305603, MONDO:0100453.

Submissions (2):

ClinGen Leber Congenital Amaurosis/early Onset Retinal Dystrophy Variant Curation Expert Panel, ClinGen
Classification: Uncertain significance for GUCY2D-related recessive retinopathy. Last evaluated: 2025-12-19. Review status: reviewed by expert panel. Criteria: ClinGen LCAeoRD ACMG Specifications GUCY2D V1.0.0. Collection method: curation. Allele origin: germline. Inheritance: Autosomal recessive inheritance.
Comment: NM_000180.4(GUCY2D):c.997G>A (p.Glu333Lys) is a missense substitution that replaces glutamate with lysine at amino acid 333. This variant is present in gnomAD v.4.1.0 at a total allele frequency of 0.00000187, with 3 alleles /1596978 total alleles, which is lower than the ClinGen LCA/eoRD VCEP PM2_Supporting threshold of <0.0004 (PM2_Supporting). This variant has been reported in at least 1 proband with early-onset severe retinal dystrophy who harbored the variant in the compound heterozygous state with an exon 1-6 deletion variant (NC_000017.11:g.8002617_8007530del) confirmed in trans (VCEP member-provided data), which was previously classified pathogenic by the ClinGen LCA/eoRD VCEP (1 total point, PM3). The proband harboring this variant underwent comprehensive genotyping that did not identify an alternative basis for retinal disease, and had a diagnosis and clinical phenotypes that together were highly specific for GUCY2D-related recessive retinopathy (total 8.5 points, VCEP member-provided data, PP4_Moderate). The computational predictor REVEL gives a score of 0.557, which is below the ClinGen LCA/eoRD VCEP threshold of ≥0.644 and does not predict a damaging effect on RetGC-1 protein function. Additionally, the splicing impact predictor SpliceAI gives a score of 0, which is below the ClinGen LCA/eoRD VCEP recommended threshold of ≥0.2 and does not strongly predict an impact on splicing. In summary, this variant meets the criteria to be classified as a Variant of Uncertain Significance for GUCY2D-related recessive retinopathy based on the ACMG/AMP criteria applied, as specified by the ClinGen LCA/eoRD VCEP: PM2_Supporting, PM3, and PP4_Moderate. (VCEP specifications version 1.0.0; date of approval 01/22/2025).

GeneDx
Classification: Uncertain significance. Last evaluated: 2025-08-07. Review status: criteria provided, single submitter. Criteria: GeneDx Variant Classification Process June 2021. Collection method: clinical testing. Allele origin: germline. Affected: yes. Not counted in ClinVar's aggregate classification.
Comment: In silico analysis supports that this missense variant has a deleterious effect on protein structure/function; This variant is associated with the following publications: (PMID: 31736247, 36729443, 37734845, 31087526)